The following is an entry in ClinVar:

NM_007294.4(BRCA1):c.518C>G (p.Pro173Arg)

Gene: BRCA1 (BRCA1 DNA repair associated; minus strand). Cytogenetic location: 17q21.31.
Variant type: single nucleotide variant.
Coding change: c.518C>G on transcript NM_007294.4 (MANE Select); coding-DNA position 518, C replaced by G.
Protein change: p.Pro173Arg; replaces proline 173 with arginine.
Molecular consequence: missense variant. On other transcripts: intron variant (2).
Genome position (GRCh38, 1-based): chr17:43,099,804, G>C on the plus strand (C>G on the coding strand, the complement: BRCA1 is on the minus strand). VCF-style: chr17-43099804-G-C. GRCh37 (hg19) VCF-style: chr17-41251821-G-C.
Other names: c.308C>G, p.Pro103Arg (NM_001407947.1, NM_001407948.1, NM_001407949.1 and 37 more transcripts); c.305C>G, p.Pro102Arg (NM_001407954.1, NM_001407955.1, NM_001407956.1 and 18 more transcripts); c.137C>G, p.Pro46Arg (NM_001407959.1, NM_001407960.1, NM_001407963.1 and 3 more transcripts); c.134C>G, p.Pro45Arg (NM_001407962.1); c.374C>G, p.Pro125Arg (NM_001407964.1, NM_001407740.1, NM_001407741.1 and 35 more transcripts); c.518C>G, p.Pro173Arg (NM_001407968.1, NM_001407969.1, NM_001407970.1 and 96 more transcripts); c.515C>G, p.Pro172Arg (NM_001407972.1, NM_001407984.1, NM_001407985.1 and 65 more transcripts); c.440C>G, p.Pro147Arg (NM_001408409.1, NM_001407862.1, NM_001408411.1 and 12 more transcripts); and 5 more; short protein forms P103R, P125R, P126R, P147R, P172R, P45R, P146R, P173R.
Identifiers: ClinVar variation 3634707 (VCV003634707.2).

ClinVar aggregate classification (germline): Uncertain significance (1 of 4 stars; one submission).

Conditions:
Hereditary breast ovarian cancer syndrome. Also called: Hereditary breast and ovarian cancer syndrome; Hereditary breast and ovarian cancer syndrome (HBOC); BRCA1- and BRCA2-Associated Hereditary Breast and Ovarian Cancer; Hereditary breast and ovarian cancer; Breast and ovarian cancer; Hereditary breast and/or ovarian cancer syndrome. Identifiers: Orphanet 145, MedGen C0677776, MeSH D061325, MONDO:0003582. Disease mechanism: loss of function.

Submission:

Labcorp Genetics (formerly Invitae), Labcorp
Classification: Uncertain significance for Hereditary breast ovarian cancer syndrome. Last evaluated: 2024-10-15. Review status: criteria provided, single submitter. Criteria: Invitae Variant Classification Sherloc (09022015). Collection method: clinical testing. Allele origin: germline.
Comment: This sequence change replaces proline, which is neutral and non-polar, with arginine, which is basic and polar, at codon 173 of the BRCA1 protein (p.Pro173Arg). This variant is not present in population databases (gnomAD no frequency). This variant has not been reported in the literature in individuals affected with BRCA1-related conditions. Invitae Evidence Modeling of protein sequence and biophysical properties (such as structural, functional, and spatial information, amino acid conservation, physicochemical variation, residue mobility, and thermodynamic stability) indicates that this missense variant is not expected to disrupt BRCA1 protein function with a negative predictive value of 80%. In summary, the available evidence is currently insufficient to determine the role of this variant in disease. Therefore, it has been classified as a Variant of Uncertain Significance.